The following is an entry in ClinVar:

ClinVar aggregate classification (germline): Pathogenic/Likely pathogenic. Review status: criteria provided, multiple submitters, no conflicts (2 of 4 stars). 2 submissions from 2 submitters: Pathogenic (1); Likely pathogenic (1). Last evaluated 2023-11-06.
ClinVar aggregate classification (somatic clinical impact): Tier II - Potential (1 of 4 stars; one submission).

Conditions:
Cardiovascular phenotype. Identifiers: MedGen CN230736.
RASopathy. Also called: rasopathies; Noonan spectrum disorder. Identifiers: Orphanet 536391, MedGen C5555857, MONDO:0021060.
Central nervous system germ cell tumor. Identifiers: MedGen C1332880, MONDO:0003000.

Submissions (3):

Institute for Genomic Medicine (IGM) Clinical Laboratory, Nationwide Children's Hospital
Classification: Tier II - Potential for Central nervous system germ cell tumor. Assertion type: diagnostic. Clinical significance: supports diagnosis. Last evaluated: 2025-03-06. Review status: criteria provided, single submitter. Criteria: AMP/ASCO/CAP Guidelines, 2017. Collection method: clinical testing. Allele origin: somatic. Affected: yes.
Comment: Variant has Tier II (potential) clinical significance as a diagnostic inclusion criterion in central nervous system germ cell tumor, based on the following evidence: 1) Diagnostic significance based on multiple small studies (Evidence Level C; PMIDs: 24452629, 24896186, 26956871, 27391150, 24957944, 27273450, 26619011).

Labcorp Genetics (formerly Invitae), Labcorp
Classification: Pathogenic for RASopathy. Last evaluated: 2023-11-06. Review status: criteria provided, single submitter. Criteria: Invitae Variant Classification Sherloc (09022015). Collection method: clinical testing. Allele origin: germline.
Comment: This sequence change replaces proline, which is neutral and non-polar, with histidine, which is basic and polar, at codon 261 of the RAF1 protein (p.Pro261His). This variant is not present in population databases (gnomAD no frequency). This missense change has been observed in individual(s) with Noonan syndrome (PMID: 22465605). In at least one individual the variant was observed to be de novo. ClinVar contains an entry for this variant (Variation ID: 1760795). Advanced modeling of protein sequence and biophysical properties (such as structural, functional, and spatial information, amino acid conservation, physicochemical variation, residue mobility, and thermodynamic stability) performed at Invitae indicates that this missense variant is expected to disrupt RAF1 protein function with a positive predictive value of 95%. This variant disrupts the p.Pro261 amino acid residue in RAF1. Other variant(s) that disrupt this residue have been determined to be pathogenic (PMID: 17603482, 20052757, 20679480, 23885229). This suggests that this residue is clinically significant, and that variants that disrupt this residue are likely to be disease-causing. For these reasons, this variant has been classified as Pathogenic.

Ambry Genetics
Classification: Likely pathogenic for Cardiovascular phenotype. Last evaluated: 2020-06-23. Review status: criteria provided, single submitter. Criteria: Ambry Variant Classification Scheme 2023. Collection method: clinical testing. Allele origin: germline.
Comment: The p.P261H variant (also known as c.782C>A), located in coding exon 6 of the RAF1 gene, results from a C to A substitution at nucleotide position 782. The proline at codon 261 is replaced by histidine, an amino acid with similar properties. This variant has been detected in an individual reported to have hypertrophic cardiomyopathy from a confirmed or suspected Noonan syndrome cohort; however details were limited (Ezquieta B et al. Rev Esp Cardiol (Engl Ed), 2012 May;65:447-55). Based on internal structural assessment, this variant results in loss of the clinically relevant 14-3-3 recognition motif (Panni S et al. Proteomics. 2011 Jan;11(1):128-43, Molzan M et al. ACS Chem. Biol.. 2013 Sep;8(9):1869-75). In addition, other mutations affecting this codon (e.g., p.P261A, c.781C>G and p.P261S c.781C>T) have been reported in association with Noonan syndrome (Razzaque MA et al. Nat. Genet., 2007 Aug;39:1013-7). This amino acid position is highly conserved in available vertebrate species. In addition, this alteration is predicted to be deleterious by in silico analysis. Based on the majority of available evidence to date, this variant is likely to be pathogenic.

Literature cited by the submitters: PubMed 24452629 (cited by Institute for Genomic Medicine (IGM) Clinical Laboratory, Nationwide Children's Hospital); PubMed 24896186 (cited by Institute for Genomic Medicine (IGM) Clinical Laboratory, Nationwide Children's Hospital); PubMed 26956871 (cited by Institute for Genomic Medicine (IGM) Clinical Laboratory, Nationwide Children's Hospital); PubMed 27391150 (cited by Institute for Genomic Medicine (IGM) Clinical Laboratory, Nationwide Children's Hospital); PubMed 24957944 (cited by Institute for Genomic Medicine (IGM) Clinical Laboratory, Nationwide Children's Hospital); PubMed 27273450 (cited by Institute for Genomic Medicine (IGM) Clinical Laboratory, Nationwide Children's Hospital); PubMed 26619011 (cited by Institute for Genomic Medicine (IGM) Clinical Laboratory, Nationwide Children's Hospital); PubMed 22465605 (cited by Labcorp Genetics (formerly Invitae), Labcorp and Ambry Genetics); PubMed 17603482 (cited by Labcorp Genetics (formerly Invitae), Labcorp); PubMed 20052757 (cited by Labcorp Genetics (formerly Invitae), Labcorp); PubMed 20679480 (cited by Labcorp Genetics (formerly Invitae), Labcorp); PubMed 23885229 (cited by Labcorp Genetics (formerly Invitae), Labcorp); PubMed 21182200 (cited by Ambry Genetics); PubMed 23808890 (cited by Ambry Genetics); PubMed 26266034 (cited by Ambry Genetics).

NM_002880.4(RAF1):c.782C>A (p.Pro261His)

Gene: RAF1 (Raf-1 proto-oncogene, serine/threonine kinase; minus strand). Cytogenetic location: 3p25.2.
Variant type: single nucleotide variant.
Coding change: c.782C>A on transcript NM_002880.4 (MANE Select); coding-DNA position 782, C replaced by A.
Protein change: p.Pro261His; replaces proline 261 with histidine.
Molecular consequence: missense variant. On other transcripts: non-coding transcript variant (3).
Genome position (GRCh38, 1-based): chr3:12,604,188, G>T on the plus strand (C>A on the coding strand, the complement: RAF1 is on the minus strand). VCF-style: chr3-12604188-G-T. GRCh37 (hg19) VCF-style: chr3-12645687-G-T.
Other names: c.782C>A, p.Pro261His (NM_001354689.3, NM_001354690.3); c.539C>A, p.Pro180His (NM_001354691.3, NM_001354692.3, NM_001354694.3); c.683C>A, p.Pro228His (NM_001354693.3); c.440C>A, p.Pro147His (NM_001354695.3); short protein forms P180H, P228H, P147H, P261H.
Identifiers: ClinVar variation 1760795 (VCV001760795.6), dbSNP rs397516828, ClinGen allele CA351512388.